The following is an entry in ClinVar:

NM_000264.5(PTCH1):c.1307dup (p.Asp436fs)

Gene: PTCH1 (patched 1; minus strand). Cytogenetic location: 9q22.32.
Variant type: Duplication.
Coding change: c.1307dup on transcript NM_000264.5 (MANE Select); coding-DNA position 1307, one base duplicated (A; older notation c.1307dupA).
Protein change: p.Asp436fs; shifts the reading frame from aspartic acid 436.
Molecular consequence: frameshift variant. On other transcripts: non-coding transcript variant (1).
Genome position (GRCh38, 1-based): chr9:95,478,095, T duplicated on the plus strand (A on the coding strand, the reverse complement: PTCH1 is on the minus strand). VCF-style (leftmost placement, unchanged base first): chr9-95478094-G-GT. GRCh37 (hg19) VCF-style: chr9-98240376-G-GT.
Other names: c.1307dupA (NM_000264.3); c.1109dup, p.Asp370fs (NM_001083602.3); c.1304dup, p.Asp435fs (NM_001083603.3); c.854dup, p.Asp285fs (NM_001083604.3, NM_001083605.3, NM_001083606.3 and 1 more transcripts); c.1307dup, p.Asp436fs (NM_001354918.2); short protein forms D370fs, D436fs, D285fs, D435fs.
Identifiers: ClinVar variation 453783 (VCV000453783.7), dbSNP rs1554698800, ClinGen allele CA658656050.

ClinVar aggregate classification (germline): Pathogenic (1 of 4 stars; one submission).

Conditions:
Gorlin syndrome. Also called: Basal cell nevus syndrome; Nevoid Basal Cell Carcinoma Syndrome. Identifiers: Orphanet 377, MedGen C0004779, MONDO:0007187.

Submission:

Labcorp Genetics (formerly Invitae), Labcorp
Classification: Pathogenic for Gorlin syndrome. Last evaluated: 2017-07-19. Review status: criteria provided, single submitter. Criteria: Invitae Variant Classification Sherloc (09022015). Collection method: clinical testing. Allele origin: germline.
Comment: For these reasons, this variant has been classified as Pathogenic. Loss-of-function variants in PTCH1 are known to be pathogenic (PMID: 8981943). This variant has not been reported in the literature in individuals with PTCH1-related disease. This variant is not present in population databases (ExAC no frequency). This sequence change creates a premature translational stop signal (p.Asp436Glufs*61) in the PTCH1 gene. It is expected to result in an absent or disrupted protein product.

Literature cited by the submitters: PubMed 8981943.